The following is an entry in ClinVar:

NM_006922.4(SCN3A):c.890G>A (p.Gly297Asp)

Gene: SCN3A (sodium voltage-gated channel alpha subunit 3; minus strand). Cytogenetic location: 2q24.3.
Variant type: single nucleotide variant.
Coding change: c.890G>A on transcript NM_006922.4 (MANE Select); coding-DNA position 890, G replaced by A.
Protein change: p.Gly297Asp; replaces glycine 297 with aspartic acid.
Molecular consequence: missense variant.
Genome position (GRCh38, 1-based): chr2:165,162,633, C>T on the plus strand (G>A on the coding strand, the complement: SCN3A is on the minus strand). VCF-style: chr2-165162633-C-T. GRCh37 (hg19) VCF-style: chr2-166019143-C-T.
Other names: c.890G>A, p.Gly297Asp (NM_001081676.2, NM_001081677.2); short protein forms G297D.
Identifiers: ClinVar variation 957089 (VCV000957089.10), dbSNP rs1229817884, ClinGen allele CA349239020.
Genomic context (GRCh38, chr2:165,162,633, plus strand): 5'-TCCTTCCAGTTAAATGTGCTCATTGTTACATTAACAAATGTCCCATTTGAATCCATTGTG[C>T]CATTAAAGTAGGAAGTGGTGTTGGTTTCAAAAGCAGAATCGCTTGGGGGCCACTGCAAAC-3'
Protein context (NP_008853.3, residues 287-307): FETNTTSYFN[Gly297Asp]TMDSNGTFVN

ClinVar aggregate classification (germline): Uncertain significance. Review status: criteria provided, multiple submitters, no conflicts (2 of 4 stars). 2 submissions from 2 submitters: Uncertain significance (2). Last evaluated 2024-03-29.

Conditions:
Inborn genetic diseases. Identifiers: MedGen C0950123, MeSH D030342.

Allele frequency attached by ClinVar (database versions not stated): gnomAD exomes below 0.00001 and 0.00001.
gnomAD v4.1: 3 of 1,614,084 alleles (0.00019%); highest among the groups gnomAD compares: East Asian, 0.0045%; no homozygotes.

Submissions (2):

Ambry Genetics
Classification: Uncertain significance for Inborn genetic diseases. Last evaluated: 2024-03-29. Review status: criteria provided, single submitter. Criteria: Ambry Variant Classification Scheme 2023. Collection method: clinical testing. Allele origin: germline.

Labcorp Genetics (formerly Invitae), Labcorp
Classification: Uncertain significance. Last evaluated: 2019-11-01. Review status: criteria provided, single submitter. Criteria: Invitae Variant Classification Sherloc (09022015). Collection method: clinical testing. Allele origin: germline.
Comment: Algorithms developed to predict the effect of missense changes on protein structure and function (SIFT, PolyPhen-2, Align-GVGD) all suggest that this variant is likely to be tolerated, but these predictions have not been confirmed by published functional studies and their clinical significance is uncertain. In summary, the available evidence is currently insufficient to determine the role of this variant in disease. Therefore, it has been classified as a Variant of Uncertain Significance. This variant has not been reported in the literature in individuals with SCN3A-related conditions. This variant is not present in population databases (ExAC no frequency). This sequence change replaces glycine with aspartic acid at codon 297 of the SCN3A protein (p.Gly297Asp). The glycine residue is moderately conserved and there is a moderate physicochemical difference between glycine and aspartic acid.